The following is an entry in ClinVar:

NM_020366.4(RPGRIP1):c.2875A>G (p.Lys959Glu)

Gene: RPGRIP1 (RPGR interacting protein 1; plus strand). Cytogenetic location: 14q11.2.
Variant type: single nucleotide variant.
Coding change: c.2875A>G on transcript NM_020366.4 (MANE Select); coding-DNA position 2875, A replaced by G.
Protein change: p.Lys959Glu; replaces lysine 959 with glutamic acid.
Molecular consequence: missense variant.
Genome position (GRCh38, 1-based): chr14:21,327,787, A>G. VCF-style: chr14-21327787-A-G. GRCh37 (hg19) VCF-style: chr14-21795946-A-G.
Other names: c.853A>G, p.Lys285Glu (NM_001377523.1, NM_001377950.1); c.1801A>G, p.Lys601Glu (NM_001377948.1); c.961A>G, p.Lys321Glu (NM_001377949.1); c.355A>G, p.Lys119Glu (NM_001377951.1); short protein forms K119E, K285E, K321E, K601E, K959E.
Identifiers: ClinVar variation 1054356 (VCV001054356.7), dbSNP rs758124463, ClinGen allele CA7089359.

ClinVar aggregate classification (germline): Uncertain significance (1 of 4 stars; one submission).

Conditions:
Leber congenital amaurosis 6 (LCA6). Identifiers: Orphanet 65, MedGen C1854260, MONDO:0013446, OMIM 613826.
Cone-rod dystrophy 13 (CORD13). Identifiers: Orphanet 1872, MedGen C2750720, MONDO:0011987, OMIM 608194.

Allele frequency attached by ClinVar (database versions not stated): ExAC 0.00001; gnomAD 0.00001; gnomAD exomes 0.00001; TOPMed 0.00001.
gnomAD v4.1: 18 of 1,600,372 alleles (0.0011%); highest among the groups gnomAD compares: Non-Finnish European, 0.0014%; no homozygotes.

Submission:

Labcorp Genetics (formerly Invitae), Labcorp
Classification: Uncertain significance for Leber congenital amaurosis 6; Cone-rod dystrophy 13. Last evaluated: 2022-10-04. Review status: criteria provided, single submitter. Criteria: Invitae Variant Classification Sherloc (09022015). Collection method: clinical testing. Allele origin: germline.
Comment: ClinVar contains an entry for this variant (Variation ID: 1054356). This variant has not been reported in the literature in individuals affected with RPGRIP1-related conditions. This variant is present in population databases (rs758124463, gnomAD 0.005%). This sequence change replaces lysine, which is basic and polar, with glutamic acid, which is acidic and polar, at codon 959 of the RPGRIP1 protein (p.Lys959Glu). Advanced modeling of protein sequence and biophysical properties (such as structural, functional, and spatial information, amino acid conservation, physicochemical variation, residue mobility, and thermodynamic stability) performed at Invitae indicates that this missense variant is not expected to disrupt RPGRIP1 protein function. In summary, the available evidence is currently insufficient to determine the role of this variant in disease. Therefore, it has been classified as a Variant of Uncertain Significance.